The following is an entry in ClinVar:

NM_000884.3(IMPDH2):c.1207dup (p.Ser403fs)

Gene: IMPDH2 (inosine monophosphate dehydrogenase 2; minus strand). Cytogenetic location: 3p21.31.
Variant type: Duplication.
Coding change: c.1207dup on transcript NM_000884.3 (MANE Select); coding-DNA position 1207, one base duplicated (T; older notation c.1207dupT).
Protein change: p.Ser403fs; shifts the reading frame from serine 403.
Molecular consequence: frameshift variant.
Genome position (GRCh38, 1-based): chr3:49,024,984, A duplicated on the plus strand (T on the coding strand, the reverse complement: IMPDH2 is on the minus strand); the first of 4 consecutive A bases (chr3:49,024,984-49,024,987); duplicating any one gives the same sequence. VCF-style (leftmost placement, unchanged base first): chr3-49024983-G-GA. GRCh37 (hg19) VCF-style: chr3-49062416-G-GA.
Other names: c.1279dup, p.Ser427fs (NM_001410759.1); c.1204dup, p.Ser402fs (NM_001410760.1); c.1132dup, p.Ser378fs (NM_001410761.1); short protein forms S378fs, S402fs, S403fs, S427fs.
Identifiers: ClinVar variation 4075647 (VCV004075647.1).

ClinVar aggregate classification (germline): Uncertain significance (1 of 4 stars; one submission).

Submission:

GeneDx
Classification: Uncertain significance. Last evaluated: 2025-02-14. Review status: criteria provided, single submitter. Criteria: GeneDx Variant Classification Process June 2021. Collection method: clinical testing. Allele origin: germline. Affected: yes.
Comment: Not observed at significant frequency in large population cohorts (gnomAD); Frameshift variant predicted to result in protein truncation or nonsense mediated decay in a gene or region of a gene for which loss of function is not a well-established mechanism of disease; Has not been previously published as pathogenic or benign to our knowledge